The following is an entry in ClinVar:

ClinVar aggregate classification (germline): Uncertain significance (1 of 4 stars; one submission).

Conditions:
Arrhythmogenic right ventricular dysplasia 11. Also called: Arrhythmogenic Right Ventricular Dysplasia/Cardiomyopathy11; ARRHYTHMOGENIC RIGHT VENTRICULAR DYSPLASIA, FAMILIAL, 11; Arrhythmogenic right ventricular dysplasia 11 with mild palmoplantar keratoderma and woolly hair. Identifiers: MedGen C1864850, MONDO:0012506, OMIM 610476.

Submission:

Labcorp Genetics (formerly Invitae), Labcorp
Classification: Uncertain significance for Arrhythmogenic right ventricular dysplasia 11. Last evaluated: 2020-04-30. Review status: criteria provided, single submitter. Criteria: Invitae Variant Classification Sherloc (09022015). Collection method: clinical testing. Allele origin: germline.
Comment: This variant has not been reported in the literature in individuals with DSC2-related conditions. In summary, the available evidence is currently insufficient to determine the role of this variant in disease. Therefore, it has been classified as a Variant of Uncertain Significance. Algorithms developed to predict the effect of missense changes on protein structure and function (SIFT, PolyPhen-2, Align-GVGD) all suggest that this variant is likely to be tolerated, but these predictions have not been confirmed by published functional studies and their clinical significance is uncertain. This variant is not present in population databases (ExAC no frequency). This sequence change replaces valine with isoleucine at codon 119 of the DSC2 protein (p.Val119Ile). The valine residue is moderately conserved and there is a small physicochemical difference between valine and isoleucine.

NM_024422.6(DSC2):c.355G>A (p.Val119Ile)

Gene: DSC2 (desmocollin 2; minus strand). Cytogenetic location: 18q12.1.
Variant type: single nucleotide variant.
Coding change: c.355G>A on transcript NM_024422.6 (MANE Select); coding-DNA position 355, G replaced by A.
Protein change: p.Val119Ile; replaces valine 119 with isoleucine.
Molecular consequence: missense variant.
Genome position (GRCh38, 1-based): chr18:31,091,147, C>T on the plus strand (G>A on the coding strand, the complement: DSC2 is on the minus strand). VCF-style: chr18-31091147-C-T. GRCh37 (hg19) VCF-style: chr18-28671110-C-T.
Other names: c.355G>A, p.Val119Ile (NM_004949.5); short protein forms V119I.
Identifiers: ClinVar variation 1062216 (VCV001062216.9), dbSNP rs2144843633, ClinGen allele CA402114535.